The following is an entry in ClinVar:

NM_000350.3(ABCA4):c.3191-19G>A

Gene: ABCA4 (ATP binding cassette subfamily A member 4; minus strand). Cytogenetic location: 1p22.1.
Variant type: single nucleotide variant.
Coding change: c.3191-19G>A on transcript NM_000350.3 (MANE Select); 19 bases into the intron before coding-DNA position 3191, G replaced by A.
Molecular consequence: intron variant.
Genome position (GRCh38, 1-based): chr1:94,042,917, C>T on the plus strand (G>A on the coding strand, the complement: ABCA4 is on the minus strand). VCF-style: chr1-94042917-C-T. GRCh37 (hg19) VCF-style: chr1-94508473-C-T.
Other names: c.3191-19G>A (NM_000350.2).
Identifiers: ClinVar variation 1646980 (VCV001646980.11), dbSNP rs371455065, ClinGen allele CA958016.

ClinVar aggregate classification (germline): Likely benign. Review status: criteria provided, multiple submitters, no conflicts (2 of 4 stars). 4 submissions from 4 submitters: Likely benign (3). 1 of the submissions does not count toward it. Last evaluated 2026-01-19.

Conditions:
Retinal dystrophy. Also called: Inherited retinal dystrophy. Identifiers: Orphanet 71862, MedGen C0854723, MeSH D058499, MONDO:0019118, HP:0000556.
ABCA4-related disorder. Also called: ABCA4-related disorders; ABCA4-related condition. Identifiers: MedGen CN239167.

Allele frequency attached by ClinVar (database versions not stated): gnomAD exomes 0.00008; gnomAD 0.00011; TOPMed 0.00011; ExAC 0.00014; ESP Exome Variant Server 0.00015.
gnomAD v4.1: 136 of 1,613,946 alleles (0.0084%); highest among the groups gnomAD compares: Middle Eastern, 0.033%; no homozygotes.

Submissions (4):

Labcorp Genetics (formerly Invitae), Labcorp
Classification: Likely benign. Last evaluated: 2026-01-19. Review status: criteria provided, single submitter. Criteria: Invitae Variant Classification Sherloc (09022015). Collection method: clinical testing. Allele origin: germline.

PreventionGenetics, part of Exact Sciences
Classification: Likely benign for ABCA4-related condition. Last evaluated: 2024-12-13. Review status: criteria provided, single submitter. Criteria: ACMG Guidelines, 2015. Collection method: clinical testing. Allele origin: germline.
Comment: This variant is classified as likely benign based on ACMG/AMP sequence variant interpretation guidelines (Richards et al. 2015 PMID: 25741868, with internal and published modifications).

Blueprint Genetics
Classification: Likely benign. Last evaluated: 2022-11-14. Review status: criteria provided, single submitter. Criteria: ACMG Guidelines, 2015. Collection method: clinical testing. Allele origin: germline.

Institute of Human Genetics, Univ. Regensburg, Univ. Regensburg
Classification: Uncertain significance for Retinal dystrophy. Last evaluated: 2019-01-01. Review status: no assertion criteria provided. Criteria: ACMG Guidelines, 2015. Collection method: clinical testing. Allele origin: germline. Affected: yes. Not counted in ClinVar's aggregate classification.